The following is an entry in ClinVar:

NM_000264.5(PTCH1):c.3209T>C (p.Met1070Thr)

Gene: PTCH1 (patched 1; minus strand). Cytogenetic location: 9q22.32.
Variant type: single nucleotide variant.
Coding change: c.3209T>C on transcript NM_000264.5 (MANE Select); coding-DNA position 3209, T replaced by C.
Protein change: p.Met1070Thr; replaces methionine 1070 with threonine.
Molecular consequence: missense variant. On other transcripts: non-coding transcript variant (1).
Genome position (GRCh38, 1-based): chr9:95,456,373, A>G on the plus strand (T>C on the coding strand, the complement: PTCH1 is on the minus strand). VCF-style: chr9-95456373-A-G. GRCh37 (hg19) VCF-style: chr9-98218655-A-G.
Other names: c.3011T>C, p.Met1004Thr (NM_001083602.3); c.3206T>C, p.Met1069Thr (NM_001083603.3); c.2756T>C, p.Met919Thr (NM_001083604.3, NM_001083605.3, NM_001083606.3 and 1 more transcripts); c.3053T>C, p.Met1018Thr (NM_001354918.2); short protein forms M1018T, M1004T, M1070T, M919T, M1069T.
Identifiers: ClinVar variation 3311115 (VCV003311115.2).
Genomic context (GRCh38, chr9:95,456,373, plus strand): 5'-ACAGAAGCGATCAGGATGACCACGGGCACGGCACTGAGCTTGATTCCGATGAGGCCCATC[A>G]TGCCGAACAGCTCGACCGTCATCAGCGCCAGGACCATCACCTGGAGCAGGGCACACAGTG-3'
Protein context (NP_000255.2, residues 1060-1080): LALMTVELFG[Met1070Thr]MGLIGIKLSA

ClinVar aggregate classification (germline): Uncertain significance. Review status: criteria provided, multiple submitters, no conflicts (2 of 4 stars). 2 submissions from 2 submitters: Uncertain significance (2). Last evaluated 2024-05-17.

Conditions:
Hereditary cancer-predisposing syndrome. Also called: Neoplastic Syndromes, Hereditary; Tumor predisposition; Hereditary neoplastic syndrome; Hereditary Cancer Syndrome. Identifiers: Orphanet 140162, MedGen C0027672, MeSH D009386, MONDO:0015356.

Submissions (2):

GeneDx
Classification: Uncertain significance. Last evaluated: 2024-05-17. Review status: criteria provided, single submitter. Criteria: GeneDx Variant Classification Process June 2021. Collection method: clinical testing. Allele origin: germline. Affected: yes.
Comment: Not observed at significant frequency in large population cohorts (gnomAD); In silico analysis indicates that this missense variant does not alter protein structure/function; Has not been previously published as pathogenic or benign to our knowledge

Ambry Genetics
Classification: Uncertain significance for Hereditary cancer-predisposing syndrome. Last evaluated: 2024-03-20. Review status: criteria provided, single submitter. Criteria: Ambry Variant Classification Scheme 2023. Collection method: clinical testing. Allele origin: germline.
Comment: The p.M1070T variant (also known as c.3209T>C), located in coding exon 19 of the PTCH1 gene, results from a T to C substitution at nucleotide position 3209. The methionine at codon 1070 is replaced by threonine, an amino acid with similar properties. This amino acid position is conserved. In addition, the in silico prediction for this alteration is inconclusive. Based on the available evidence, the clinical significance of this alteration remains unclear.